The following is an entry in ClinVar:

NM_000222.3(KIT):c.1289C>T (p.Ala430Val)

Gene: KIT (KIT proto-oncogene, receptor tyrosine kinase; plus strand). Cytogenetic location: 4q12.
Variant type: single nucleotide variant.
Coding change: c.1289C>T on transcript NM_000222.3 (MANE Select); coding-DNA position 1289, C replaced by T.
Protein change: p.Ala430Val; replaces alanine 430 with valine.
Molecular consequence: missense variant.
Genome position (GRCh38, 1-based): chr4:54,723,641, C>T. VCF-style: chr4-54723641-C-T. GRCh37 (hg19) VCF-style: chr4-55589807-C-T.
Other names: c.1289C>T, p.Ala430Val (NM_001093772.2, NM_001385285.1, NM_001385286.1); c.1292C>T, p.Ala431Val (NM_001385284.1, NM_001385288.1, NM_001385290.1 and 1 more transcripts); c.1289C>T (NM_000222.2); short protein forms A430V, A431V.
Identifiers: ClinVar variation 1025684 (VCV001025684.10), dbSNP rs1722031777, ClinGen allele CA356905593.

ClinVar aggregate classification (germline): Uncertain significance. Review status: criteria provided, multiple submitters, no conflicts (2 of 4 stars). 2 submissions from 2 submitters: Uncertain significance (2). Last evaluated 2024-11-14.

Conditions:
Hereditary cancer-predisposing syndrome. Also called: Tumor predisposition; Neoplastic Syndromes, Hereditary; Hereditary neoplastic syndrome; Hereditary Cancer Syndrome. Identifiers: Orphanet 140162, MedGen C0027672, MeSH D009386, MONDO:0015356.
Gastrointestinal stromal tumor. Also called: Gastrointestinal stromal tumor, somatic; Gastrointestinal stroma tumor. Identifiers: Orphanet 44890, MedGen C0238198, MeSH D046152, MONDO:0011719, OMIM 606764, HP:0100723.

Submissions (2):

Ambry Genetics
Classification: Uncertain significance for Hereditary cancer-predisposing syndrome. Last evaluated: 2024-11-14. Review status: criteria provided, single submitter. Criteria: Ambry Variant Classification Scheme 2023. Collection method: clinical testing. Allele origin: germline.
Comment: The p.A430V variant (also known as c.1289C>T), located in coding exon 8 of the KIT gene, results from a C to T substitution at nucleotide position 1289. The alanine at codon 430 is replaced by valine, an amino acid with similar properties. This amino acid position is conserved. In addition, this alteration is predicted to be tolerated by in silico analysis. Based on the available evidence, the clinical significance of this variant remains unclear.

Labcorp Genetics (formerly Invitae), Labcorp
Classification: Uncertain significance for Gastrointestinal stromal tumor. Last evaluated: 2022-07-26. Review status: criteria provided, single submitter. Criteria: Invitae Variant Classification Sherloc (09022015). Collection method: clinical testing. Allele origin: germline.
Comment: In summary, the available evidence is currently insufficient to determine the role of this variant in disease. Therefore, it has been classified as a Variant of Uncertain Significance. Algorithms developed to predict the effect of missense changes on protein structure and function output the following: SIFT: "Tolerated"; PolyPhen-2: "Benign"; Align-GVGD: "Class C0". The valine amino acid residue is found in multiple mammalian species, which suggests that this missense change does not adversely affect protein function. ClinVar contains an entry for this variant (Variation ID: 1025684). This variant has not been reported in the literature in individuals affected with KIT-related conditions. This variant is not present in population databases (gnomAD no frequency). This sequence change replaces alanine, which is neutral and non-polar, with valine, which is neutral and non-polar, at codon 430 of the KIT protein (p.Ala430Val).